The following is an entry in ClinVar:

NM_001035.3(RYR2):c.1528A>T (p.Ser510Cys)

Gene: RYR2 (ryanodine receptor 2; plus strand). Cytogenetic location: 1q43.
Variant type: single nucleotide variant.
Coding change: c.1528A>T on transcript NM_001035.3 (MANE Select); coding-DNA position 1528, A replaced by T.
Protein change: p.Ser510Cys; replaces serine 510 with cysteine.
Molecular consequence: missense variant.
Genome position (GRCh38, 1-based): chr1:237,456,651, A>T. VCF-style: chr1-237456651-A-T. GRCh37 (hg19) VCF-style: chr1-237619951-A-T.
Other names: short protein forms S510C.
Identifiers: ClinVar variation 4757972 (VCV004757972.1).

ClinVar aggregate classification (germline): Uncertain significance (1 of 4 stars; one submission).

Conditions:
Cardiomyopathy (CMYO). Also called: Cardiomyopathies. Identifiers: Orphanet 167848, MedGen C0878544, MONDO:0004994, HP:0001638. Inheritance: Various modes of inheritance.

Submission:

Color Diagnostics, LLC DBA Color Health
Classification: Uncertain significance for Cardiomyopathy. Last evaluated: 2025-08-17. Review status: criteria provided, single submitter. Criteria: ACMG Guidelines, 2015. Collection method: clinical testing. Allele origin: germline.
Comment: This missense variant replaces serine with cysteine at codon 510 of the RYR2 protein. Computational prediction suggests that this variant may have deleterious impact on protein structure and function. To our knowledge, functional studies have not been reported for this variant. This variant has not been reported in individuals affected with RYR2-related disorders in the literature. This variant has not been identified in the general population by the Genome Aggregation Database (gnomAD). The available evidence is insufficient to determine the role of this variant in disease conclusively. Therefore, this variant is classified as a Variant of Uncertain Significance.